The following is an entry in ClinVar:

ClinVar aggregate classification (germline): Likely pathogenic (1 of 4 stars; one submission).

Submission:

Labcorp Genetics (formerly Invitae), Labcorp
Classification: Likely pathogenic. Last evaluated: 2024-01-28. Review status: criteria provided, single submitter. Criteria: Invitae Variant Classification Sherloc (09022015). Collection method: clinical testing. Allele origin: germline.
Comment: This sequence change falls in intron 16 of the HPS5 gene. It does not directly change the encoded amino acid sequence of the HPS5 protein. This variant is not present in population databases (gnomAD no frequency). This variant has been observed in individual(s) with clinical features of Hermansky-Pudlak syndrome (Invitae). In at least one individual the data is consistent with being in trans (on the opposite chromosome) from a pathogenic variant. ClinVar contains an entry for this variant (Variation ID: 1470222). Algorithms developed to predict the effect of sequence changes on RNA splicing suggest that this variant may disrupt the consensus splice site. In summary, the currently available evidence indicates that the variant is pathogenic, but additional data are needed to prove that conclusively. Therefore, this variant has been classified as Likely Pathogenic.

NM_181507.2(HPS5):c.2441-5T>C

Gene: HPS5 (HPS5 biogenesis of lysosomal organelles complex 2 subunit 2; minus strand). Cytogenetic location: 11p15.1.
Variant type: single nucleotide variant.
Coding change: c.2441-5T>C on transcript NM_181507.2 (MANE Select); 5 bases into the intron before coding-DNA position 2441, T replaced by C.
Molecular consequence: intron variant.
Genome position (GRCh38, 1-based): chr11:18,288,018, A>G on the plus strand (T>C on the coding strand, the complement: HPS5 is on the minus strand). VCF-style: chr11-18288018-A-G. GRCh37 (hg19) VCF-style: chr11-18309565-A-G.
Other names: c.2027-5T>C (NM_001440929.1, NM_001440928.1, NM_001440927.1); c.2099-5T>C (NM_181508.2, NM_001440921.1, NM_001440926.1 and 7 more transcripts); c.2330-5T>C (NM_001440915.1, NM_001440914.1, NM_001440913.1); c.1863-1308T>C (NM_001440931.1); c.2441-5T>C (NM_001440917.1, NM_001440906.1, NM_001440905.1 and 4 more transcripts); c.2366-5T>C (NM_001440907.1, NM_001440909.1, NM_001440908.1); c.2228-5T>C (NM_001440919.1); c.2255-5T>C (NM_001440918.1).
Identifiers: ClinVar variation 1470222 (VCV001470222.6), dbSNP rs2134253269, ClinGen allele CA2573146109.
Genomic context (GRCh38, chr11:18,288,018, plus strand): 5'-TGTTGGTAGATCTCCTTTTTCCATCTCCATATACACAGGATTGGAACTTGCCATTTCTGA[A>G]ATATAAAGCATATCCTTTTCCAAACTTTATCTCTTAGGCGGAAATATTCAATTTATGAAC-3'